The following is an entry in ClinVar:

ClinVar aggregate classification (germline): Uncertain significance. Review status: criteria provided, multiple submitters, no conflicts (2 of 4 stars). 2 submissions from 2 submitters: Uncertain significance (2). Last evaluated 2025-07-27.

Allele frequency attached by ClinVar (database versions not stated): TOPMed 0.00007; ESP Exome Variant Server 0.00008; gnomAD 0.00010; ExAC 0.00012; gnomAD exomes 0.00018.
gnomAD v4.1: 278 of 1,610,002 alleles (0.017%); highest among the groups gnomAD compares: Non-Finnish European, 0.022%; no homozygotes.

Submissions (2):

Labcorp Genetics (formerly Invitae), Labcorp
Classification: Uncertain significance. Last evaluated: 2025-07-27. Review status: criteria provided, single submitter. Criteria: Invitae Variant Classification Sherloc (09022015). Collection method: clinical testing. Allele origin: germline.
Comment: This sequence change replaces glutamine, which is neutral and polar, with arginine, which is basic and polar, at codon 307 of the KANK2 protein (p.Gln307Arg). This variant is present in population databases (rs370398113, gnomAD 0.03%). This variant has not been reported in the literature in individuals affected with KANK2-related conditions. ClinVar contains an entry for this variant (Variation ID: 2460293). An algorithm developed to predict the effect of missense changes on protein structure and function (PolyPhen-2) suggests that this variant is likely to be tolerated. In summary, the available evidence is currently insufficient to determine the role of this variant in disease. Therefore, it has been classified as a Variant of Uncertain Significance.

Ambry Genetics
Classification: Uncertain significance. Last evaluated: 2023-01-26. Review status: criteria provided, single submitter. Criteria: Ambry Variant Classification Scheme 2023. Collection method: clinical testing. Allele origin: germline.

NM_001136191.3(KANK2):c.920A>G (p.Gln307Arg)

Gene: KANK2 (KN motif and ankyrin repeat domains 2; minus strand). Cytogenetic location: 19p13.2.
Variant type: single nucleotide variant.
Coding change: c.920A>G on transcript NM_001136191.3 (MANE Select); coding-DNA position 920, A replaced by G.
Protein change: p.Gln307Arg; replaces glutamine 307 with arginine.
Molecular consequence: missense variant.
Genome position (GRCh38, 1-based): chr19:11,193,160, T>C on the plus strand (A>G on the coding strand, the complement: KANK2 is on the minus strand). VCF-style: chr19-11193160-T-C. GRCh37 (hg19) VCF-style: chr19-11303836-T-C.
Other names: c.920A>G, p.Gln307Arg (NM_001329451.2, NM_001379548.1, NM_001379549.1 and 15 more transcripts); short protein forms Q307R.
Identifiers: ClinVar variation 2460293 (VCV002460293.3), dbSNP rs370398113, ClinGen allele CA9205946.